The following is an entry in ClinVar:

NM_001851.6(COL9A1):c.771dup (p.Arg258fs)

Gene: COL9A1 (collagen type IX alpha 1 chain; minus strand). Cytogenetic location: 6q13.
Variant type: Duplication.
Coding change: c.771dup on transcript NM_001851.6 (MANE Select); coding-DNA position 771, one base duplicated (C; older notation c.771dupC).
Protein change: p.Arg258fs; shifts the reading frame from arginine 258.
Molecular consequence: frameshift variant.
Genome position (GRCh38, 1-based): chr6:70,283,746, G duplicated on the plus strand (C on the coding strand, the reverse complement: COL9A1 is on the minus strand); the first of 2 consecutive G bases (chr6:70,283,746-70,283,747); duplicating either gives the same sequence. VCF-style (leftmost placement, unchanged base first): chr6-70283745-T-TG. GRCh37 (hg19) VCF-style: chr6-70993448-T-TG.
Other names: c.771dup, p.Arg258fs (NM_001377291.1); short protein forms R258fs.
Identifiers: ClinVar variation 1913520 (VCV001913520.6), dbSNP rs761256681, ClinGen allele CA3882725.

ClinVar aggregate classification (germline): Pathogenic/Likely pathogenic. Review status: criteria provided, multiple submitters, no conflicts (2 of 4 stars). 2 submissions from 2 submitters: Pathogenic (1); Likely pathogenic (1). Last evaluated 2022-06-26.

Conditions:
COL9A1-related disorder. Also called: COL9A1-related disorders; COL9A1-related condition.

Submissions (2):

Labcorp Genetics (formerly Invitae), Labcorp
Classification: Pathogenic. Last evaluated: 2022-06-26. Review status: criteria provided, single submitter. Criteria: Invitae Variant Classification Sherloc (09022015). Collection method: clinical testing. Allele origin: germline.
Comment: This variant is present in population databases (rs761256681, gnomAD 0.01%). For these reasons, this variant has been classified as Pathogenic. This variant has not been reported in the literature in individuals affected with COL9A1-related conditions. This sequence change creates a premature translational stop signal (p.Arg258Glnfs*16) in the COL9A1 gene. It is expected to result in an absent or disrupted protein product. Loss-of-function variants in COL9A1 are known to be pathogenic (PMID: 16909383, 21421862).

Blueprint Genetics
Classification: Likely pathogenic for COL9A1-related disorders. Last evaluated: 2018-05-09. Review status: criteria provided, single submitter. Criteria: ACMG Guidelines, 2015. Collection method: clinical testing. Allele origin: germline. Affected: yes. Observed: 1 variant allele.

Literature cited by the submitters: PubMed 16909383 (cited by Labcorp Genetics (formerly Invitae), Labcorp); PubMed 21421862 (cited by Labcorp Genetics (formerly Invitae), Labcorp).